The following is an entry in ClinVar:

NM_001009944.3(PKD1):c.5161del (p.Trp1720_Leu1721insTer)

Gene: PKD1 (polycystin 1, transient receptor potential channel interacting; minus strand). Cytogenetic location: 16p13.3.
Variant type: Deletion.
Coding change: c.5161del on transcript NM_001009944.3 (MANE Select); coding-DNA position 5161, one base deleted (C; older notation c.5161delC).
Protein change: p.Trp1720_Leu1721insTer.
Molecular consequence: nonsense.
Genome position (GRCh38, 1-based): chr16:2,110,006, G deleted on the plus strand (C on the coding strand, the reverse complement: PKD1 is on the minus strand). VCF-style (leftmost placement, unchanged base first): chr16-2110005-AG-A. GRCh37 (hg19) VCF-style: chr16-2160006-AG-A.
Other names: c.5161del, p.Trp1720_Leu1721insTer (NM_000296.4).
Identifiers: ClinVar variation 3254850 (VCV003254850.1), dbSNP rs2544814541.

ClinVar aggregate classification (germline): Pathogenic (1 of 4 stars; one submission).

Conditions:
Polycystic kidney disease, adult type (PKD1). Also called: Polycystic Kidney Disease 1, Autosomal Dominant; Polycystic kidney disease 1; Polycystic kidney disease 1, severe; POLYCYSTIC KIDNEY DISEASE 1 WITH OR WITHOUT POLYCYSTIC LIVER DISEASE; POLYCYSTIC KIDNEY DISEASE, ADULT, TYPE I; Polycystic Kidney, Autosomal Dominant. Identifiers: MedGen C3149841, MONDO:0008263, OMIM 173900.

Submission:

Victorian Clinical Genetics Services, Murdoch Childrens Research Institute
Classification: Pathogenic for Polycystic kidney disease, adult type. Last evaluated: 2023-07-17. Review status: criteria provided, single submitter. Criteria: ACMG Guidelines, 2015. Collection method: clinical testing. Allele origin: germline. Inheritance: Autosomal dominant inheritance. Affected: yes.
Comment: Based on the classification scheme VCGS_Germline_v1.3.4, this variant is classified as Pathogenic. Following criteria are met: 0102 - Loss of function is a known mechanism of disease in this gene and is associated with polycystic kidney disease 1 (MIM#173900). (I) 0107 - This gene is associated with autosomal dominant disease. Polycystic kidney disease 1 (MIM#173900) is predominantly caused by monoallelic variants, with rare reports of biallelic variants causing disease (OMIM). (I) 0201 - Variant is predicted to cause nonsense-mediated decay (NMD) and loss of protein (premature termination codon is located at least 54 nucleotides upstream of the final exon-exon junction). (SP) 0251 - This variant is heterozygous. (I) 0301 - Variant is absent from gnomAD (both v2 and v3). (SP) 0701 - Other null variants comparable to the one identified in this case have very strong previous evidence for pathogenicity. There are at least ten NMD-predicted variants that have been classified as likely pathogenic or pathogenic (DECIPHER). (SP) 0807 - This variant has no previous evidence of pathogenicity. (I) 0905 - No published segregation evidence has been identified for this variant. (I) 1007 - No published functional evidence has been identified for this variant. (I) 1208 - Inheritance information for this variant is not currently available in this individual. (I) Legend: (SP) - Supporting pathogenic, (I) - Information, (SB) - Supporting benign